The following is an entry in ClinVar:

ClinVar aggregate classification (germline): Uncertain significance. Review status: criteria provided, multiple submitters, no conflicts (2 of 4 stars). 2 submissions from 2 submitters: Uncertain significance (2). Last evaluated 2023-11-27.

Conditions:
Inborn genetic diseases. Identifiers: MedGen C0950123, MeSH D030342.

Allele frequency attached by ClinVar (database versions not stated): TOPMed below 0.00001.

Submissions (2):

Labcorp Genetics (formerly Invitae), Labcorp
Classification: Uncertain significance. Last evaluated: 2023-11-27. Review status: criteria provided, single submitter. Criteria: Invitae Variant Classification Sherloc (09022015). Collection method: clinical testing. Allele origin: germline.
Comment: This sequence change replaces methionine, which is neutral and non-polar, with leucine, which is neutral and non-polar, at codon 859 of the RTTN protein (p.Met859Leu). This variant is not present in population databases (gnomAD no frequency). This variant has not been reported in the literature in individuals affected with RTTN-related conditions. ClinVar contains an entry for this variant (Variation ID: 2484268). Advanced modeling of protein sequence and biophysical properties (such as structural, functional, and spatial information, amino acid conservation, physicochemical variation, residue mobility, and thermodynamic stability) performed at Invitae indicates that this missense variant is not expected to disrupt RTTN protein function with a negative predictive value of 80%. In summary, the available evidence is currently insufficient to determine the role of this variant in disease. Therefore, it has been classified as a Variant of Uncertain Significance.

Ambry Genetics
Classification: Uncertain significance for Inborn genetic diseases. Last evaluated: 2023-02-15. Review status: criteria provided, single submitter. Criteria: Ambry Variant Classification Scheme 2023. Collection method: clinical testing. Allele origin: germline.

NM_173630.4(RTTN):c.2575A>T (p.Met859Leu)

Gene: RTTN (rotatin; minus strand). Cytogenetic location: 18q22.2.
Variant type: single nucleotide variant.
Coding change: c.2575A>T on transcript NM_173630.4 (MANE Select); coding-DNA position 2575, A replaced by T.
Protein change: p.Met859Leu; replaces methionine 859 with leucine.
Molecular consequence: missense variant. On other transcripts: 5 prime UTR variant (1).
Genome position (GRCh38, 1-based): chr18:70,142,294, T>A on the plus strand (A>T on the coding strand, the complement: RTTN is on the minus strand). VCF-style: chr18-70142294-T-A. GRCh37 (hg19) VCF-style: chr18-67809530-T-A.
Other names: c.-73A>T (NM_001318520.2); short protein forms M859L.
Identifiers: ClinVar variation 2484268 (VCV002484268.3), dbSNP rs577535023, ClinGen allele CA402692192.